The following is an entry in ClinVar:

NM_001367479.1(DNAH14):c.5040C>G (p.Asn1680Lys)

Gene: DNAH14 (dynein axonemal heavy chain 14; plus strand). Cytogenetic location: 1q42.12.
Variant type: single nucleotide variant.
Coding change: c.5040C>G on transcript NM_001367479.1 (MANE Select); coding-DNA position 5040, C replaced by G.
Protein change: p.Asn1680Lys; replaces asparagine 1680 with lysine.
Molecular consequence: missense variant.
Genome position (GRCh38, 1-based): chr1:225,152,727, C>G. VCF-style: chr1-225152727-C-G. GRCh37 (hg19) VCF-style: chr1-225340429-C-G.
Other names: NM_001373.1:c.4989C>G; short protein forms N1680K.
Identifiers: ClinVar variation 3776319 (VCV003776319.2).

ClinVar aggregate classification (germline): Uncertain significance (1 of 4 stars; one submission).

gnomAD v4.1: 67 of 1,550,628 alleles (0.0043%); highest among the groups gnomAD compares: Non-Finnish European, 0.00035%; no homozygotes.

Submission:

GeneDx
Classification: Uncertain significance. Last evaluated: 2026-04-17. Review status: criteria provided, single submitter. Criteria: GeneDx Variant Classification Process June 2021. Collection method: clinical testing. Allele origin: germline.
Comment: In silico analysis supports that this missense variant has a deleterious effect on protein structure/function; Has not been previously published as pathogenic or benign to our knowledge